The following is an entry in ClinVar:

NM_173551.5(ANKS6):c.532G>A (p.Glu178Lys)

Gene: ANKS6 (ankyrin repeat and sterile alpha motif domain containing 6; minus strand). Cytogenetic location: 9q22.33.
Variant type: single nucleotide variant.
Coding change: c.532G>A on transcript NM_173551.5 (MANE Select); coding-DNA position 532, G replaced by A.
Protein change: p.Glu178Lys; replaces glutamic acid 178 with lysine.
Molecular consequence: missense variant.
Genome position (GRCh38, 1-based): chr9:98,790,434, C>T on the plus strand (G>A on the coding strand, the complement: ANKS6 is on the minus strand). VCF-style: chr9-98790434-C-T. GRCh37 (hg19) VCF-style: chr9-101552716-C-T.
Other names: p.Glu178Lys; c.532G>A (NM_173551.3); short protein forms E178K.
Identifiers: ClinVar variation 474453 (VCV000474453.13), dbSNP rs181546859, ClinGen allele CA5153820.

ClinVar aggregate classification (germline): Conflicting classifications of pathogenicity. Review status: criteria provided, conflicting classifications (1 of 4 stars). 7 submissions from 7 submitters: Uncertain significance (5); Likely benign (1). 1 of the submissions does not count toward it. Last evaluated 2025-07-28.

Conditions:
Nephronophthisis 16 (NPHP16). Identifiers: Orphanet 655, MedGen C3809320, MONDO:0014158, OMIM 615382.
Inborn genetic diseases. Identifiers: MedGen C0950123, MeSH D030342.
ANKS6-related disorder. Also called: ANKS6-related condition.

Allele frequency attached by ClinVar (database versions not stated): 1000 Genomes Project 0.00040; 1000 Genomes Project 30x 0.00078; ESP Exome Variant Server 0.00096; TOPMed 0.00097; gnomAD 0.00102 and 0.00103.
gnomAD v4.1: 2,187 of 1,613,772 alleles (0.14%); highest among the groups gnomAD compares: Non-Finnish European, 0.17%; 1 homozygote.

Submissions (7):

GeneDx
Classification: Uncertain significance. Last evaluated: 2025-07-28. Review status: criteria provided, single submitter. Criteria: GeneDx Variant Classification Process June 2021. Collection method: clinical testing. Allele origin: germline. Affected: yes.
Comment: In silico analysis supports that this missense variant does not alter protein structure/function; Has not been previously published as pathogenic or benign to our knowledge

Labcorp Genetics (formerly Invitae), Labcorp
Classification: Uncertain significance for Nephronophthisis 16. Last evaluated: 2024-11-14. Review status: criteria provided, single submitter. Criteria: Invitae Variant Classification Sherloc (09022015). Collection method: clinical testing. Allele origin: germline.
Comment: This sequence change replaces glutamic acid, which is acidic and polar, with lysine, which is basic and polar, at codon 178 of the ANKS6 protein (p.Glu178Lys). This variant is present in population databases (rs181546859, gnomAD 0.2%), and has an allele count higher than expected for a pathogenic variant. This variant has not been reported in the literature in individuals affected with ANKS6-related conditions. ClinVar contains an entry for this variant (Variation ID: 474453). An algorithm developed to predict the effect of missense changes on protein structure and function (PolyPhen-2) suggests that this variant¬†is likely to be tolerated. In summary, the available evidence is currently insufficient to determine the role of this variant in disease. Therefore, it has been classified as a Variant of Uncertain Significance.

Blueprint Genetics
Classification: Uncertain significance. Last evaluated: 2024-10-28. Review status: criteria provided, single submitter. Criteria: ACMG Guidelines, 2015. Collection method: clinical testing. Allele origin: germline.

Fulgent Genetics
Classification: Likely benign for Nephronophthisis 16. Last evaluated: 2024-03-12. Review status: criteria provided, single submitter. Criteria: ACMG Guidelines, 2015. Collection method: clinical testing. Allele origin: germline.

Mayo Clinic Laboratories, Mayo Clinic
Classification: Uncertain significance. Last evaluated: 2023-06-07. Review status: criteria provided, single submitter. Criteria: ACMG Guidelines, 2015. Collection method: clinical testing. Allele origin: germline. Observed: 2 variant alleles.
Comment: BP4

Ambry Genetics
Classification: Uncertain significance for Inborn genetic diseases. Last evaluated: 2022-09-28. Review status: criteria provided, single submitter. Criteria: Ambry Variant Classification Scheme 2023. Collection method: clinical testing. Allele origin: germline.

PreventionGenetics, part of Exact Sciences
Classification: Likely benign for ANKS6-related condition. Last evaluated: 2023-09-13. Review status: no assertion criteria provided. Collection method: clinical testing. Allele origin: germline. Not counted in ClinVar's aggregate classification.
Comment: This variant is classified as likely benign based on ACMG/AMP sequence variant interpretation guidelines (Richards et al. 2015 PMID: 25741868, with internal and published modifications).